The following is an entry in ClinVar:

NM_005051.3(QARS1):c.1478T>A (p.Val493Asp)

Gene: QARS1 (glutaminyl-tRNA synthetase 1; minus strand). Cytogenetic location: 3p21.31.
Variant type: single nucleotide variant.
Coding change: c.1478T>A on transcript NM_005051.3 (MANE Select); coding-DNA position 1478, T replaced by A.
Protein change: p.Val493Asp; replaces valine 493 with aspartic acid.
Molecular consequence: missense variant. On other transcripts: non-coding transcript variant (1).
Genome position (GRCh38, 1-based): chr3:49,099,558, A>T on the plus strand (T>A on the coding strand, the complement: QARS1 is on the minus strand). VCF-style: chr3-49099558-A-T. GRCh37 (hg19) VCF-style: chr3-49136991-A-T.
Other names: c.1445T>A, p.Val482Asp (NM_001272073.2); short protein forms V493D, V482D.
Identifiers: ClinVar variation 409243 (VCV000409243.8), dbSNP rs1060502308, ClinGen allele CA16611310.

ClinVar aggregate classification (germline): Uncertain significance (1 of 4 stars; one submission).

Conditions:
Diffuse cerebral and cerebellar atrophy - intractable seizures - progressive microcephaly syndrome. Also called: Microcephaly, progressive, with seizures and cerebral and cerebellar atrophy. Identifiers: Orphanet 404437, MedGen C4014239, MONDO:0014335, OMIM 615760.

Submission:

Labcorp Genetics (formerly Invitae), Labcorp
Classification: Uncertain significance for Diffuse cerebral and cerebellar atrophy - intractable seizures - progressive microcephaly syndrome. Last evaluated: 2016-11-30. Review status: criteria provided, single submitter. Criteria: Invitae Variant Classification Sherloc (09022015). Collection method: clinical testing. Allele origin: germline.
Comment: This sequence change replaces valine with aspartic acid at codon 493 of the QARS protein (p.Val493Asp). The valine residue is highly conserved and there is a large physicochemical difference between valine and aspartic acid. This variant is not present in population databases (ExAC no frequency) and has not been reported in the literature in individuals with a QARS-related disease. Algorithms developed to predict the effect of missense changes on protein structure and function (SIFT, PolyPhen-2, Align-GVGD) all suggest that this variant is likely to be disruptive, but these predictions have not been confirmed by published functional studies. In summary, this variant is a novel missense change with uncertain impact on protein function. It has been classified as a Variant of Uncertain Significance.